The following is an entry in ClinVar:

ClinVar aggregate classification (germline): Pathogenic (1 of 4 stars; one submission).

Conditions:
Fanconi anemia (FA). Also called: Fanconi's anemia. Identifiers: Orphanet 84, MedGen C0015625, MeSH D005199, MONDO:0019391.

Submission:

Labcorp Genetics (formerly Invitae), Labcorp
Classification: Pathogenic for Fanconi anemia. Last evaluated: 2024-04-22. Review status: criteria provided, single submitter. Criteria: Invitae Variant Classification Sherloc (09022015). Collection method: clinical testing. Allele origin: germline.
Comment: This sequence change creates a premature translational stop signal (p.Trp1302*) in the FANCA gene. It is expected to result in an absent or disrupted protein product. Loss-of-function variants in FANCA are known to be pathogenic (PMID: 19367192). This variant is not present in population databases (gnomAD no frequency). This variant has not been reported in the literature in individuals affected with FANCA-related conditions. ClinVar contains an entry for this variant (Variation ID: 1977466). For these reasons, this variant has been classified as Pathogenic.

Literature cited by the submitters: PubMed 19367192.

NM_000135.4(FANCA):c.3906G>A (p.Trp1302Ter)

Genes: ZNF276 (zinc finger protein 276; plus strand), FANCA (FA complementation group A; minus strand). Cytogenetic location: 16q24.3.
Variant type: single nucleotide variant.
Coding change: c.3906G>A on transcript NM_000135.4 (MANE Select); coding-DNA position 3906, G replaced by A.
Protein change: p.Trp1302Ter; replaces tryptophan 1302 with a stop codon.
Molecular consequence: nonsense. On other transcripts: 3 prime UTR variant (2), non-coding transcript variant (4).
Genome position (GRCh38, 1-based): chr16:89,740,022, C>T on the plus strand (G>A on the coding strand, the complement: FANCA is on the minus strand). VCF-style: chr16-89740022-C-T. GRCh37 (hg19) VCF-style: chr16-89806430-C-T.
Other names: c.3906G>A, p.Trp1302Ter (NM_001286167.3); c.*1776C>T (NM_001113525.2, NM_152287.4); short protein forms W1302*.
Identifiers: ClinVar variation 1977466 (VCV001977466.5), dbSNP rs2544088087, ClinGen allele CA397484954.
Genomic context (GRCh38, chr16:89,740,022, plus strand): 5'-CCGCATTTGTGCCTCAGCAGCGTGTTTCTTACCACTCTCTGTCAACTGAAAGAGTGCCAG[C>T]CAGGATATCTTCCTCTTCTCTAAACACTCGAGGATTGCTGCACAAACGTGGAAAGCCTTT-3'